The following is an entry in ClinVar:

NM_006231.4(POLE):c.2147C>A (p.Ala716Glu)

Gene: POLE (DNA polymerase epsilon, catalytic subunit; minus strand). Cytogenetic location: 12q24.33.
Variant type: single nucleotide variant.
Coding change: c.2147C>A on transcript NM_006231.4 (MANE Select); coding-DNA position 2147, C replaced by A.
Protein change: p.Ala716Glu; replaces alanine 716 with glutamic acid.
Molecular consequence: missense variant.
Genome position (GRCh38, 1-based): chr12:132,668,382, G>T on the plus strand (C>A on the coding strand, the complement: POLE is on the minus strand). VCF-style: chr12-132668382-G-T. GRCh37 (hg19) VCF-style: chr12-133244968-G-T.
Other names: c.2147C>A (NM_006231.2); short protein forms A716E.
Identifiers: ClinVar variation 3012071 (VCV003012071.4), dbSNP rs567031389, ClinGen allele CA387353651.

ClinVar aggregate classification (germline): Uncertain significance. Review status: criteria provided, multiple submitters, no conflicts (2 of 4 stars). 2 submissions from 2 submitters: Uncertain significance (2). Last evaluated 2025-06-08.

Conditions:
Hereditary cancer-predisposing syndrome. Also called: Neoplastic Syndromes, Hereditary; Tumor predisposition; Hereditary neoplastic syndrome; Hereditary Cancer Syndrome. Identifiers: Orphanet 140162, MedGen C0027672, MeSH D009386, MONDO:0015356.

gnomAD v4.1: 1 of 1,595,680 alleles (0.000063%); highest among the groups gnomAD compares: Non-Finnish European, 0.000085%; no homozygotes.

Submissions (2):

Ambry Genetics
Classification: Uncertain significance for Hereditary cancer-predisposing syndrome. Last evaluated: 2025-06-08. Review status: criteria provided, single submitter. Criteria: Ambry Variant Classification Scheme 2023. Collection method: clinical testing. Allele origin: germline.
Comment: The p.A716E variant (also known as c.2147C>A), located in coding exon 19 of the POLE gene, results from a C to A substitution at nucleotide position 2147. The alanine at codon 716 is replaced by glutamic acid, an amino acid with dissimilar properties. This amino acid position is conserved. In addition, the in silico prediction for this alteration is inconclusive. Based on the available evidence, the clinical significance of this variant remains unclear.

Labcorp Genetics (formerly Invitae), Labcorp
Classification: Uncertain significance. Last evaluated: 2023-12-29. Review status: criteria provided, single submitter. Criteria: Invitae Variant Classification Sherloc (09022015). Collection method: clinical testing. Allele origin: germline.
Comment: This sequence change replaces alanine, which is neutral and non-polar, with glutamic acid, which is acidic and polar, at codon 716 of the POLE protein (p.Ala716Glu). This variant is not present in population databases (gnomAD no frequency). This variant has not been reported in the literature in individuals affected with POLE-related conditions. Advanced modeling of protein sequence and biophysical properties (such as structural, functional, and spatial information, amino acid conservation, physicochemical variation, residue mobility, and thermodynamic stability) performed at Invitae indicates that this missense variant is not expected to disrupt POLE protein function with a negative predictive value of 80%. In summary, the available evidence is currently insufficient to determine the role of this variant in disease. Therefore, it has been classified as a Variant of Uncertain Significance.